The following is an entry in ClinVar:

ClinVar aggregate classification (germline): Uncertain significance (1 of 4 stars; one submission).

Conditions:
GLUT1 deficiency syndrome 1, autosomal recessive. Identifiers: MedGen C3149117.

Submission:

Labcorp Genetics (formerly Invitae), Labcorp
Classification: Uncertain significance for GLUT1 deficiency syndrome 1, autosomal recessive. Last evaluated: 2020-07-07. Review status: criteria provided, single submitter. Criteria: Invitae Variant Classification Sherloc (09022015). Collection method: clinical testing. Allele origin: germline.
Comment: In summary, the available evidence is currently insufficient to determine the role of this variant in disease. Therefore, it has been classified as a Variant of Uncertain Significance. Algorithms developed to predict the effect of missense changes on protein structure and function are either unavailable or do not agree on the potential impact of this missense change (SIFT: "Deleterious"; PolyPhen-2: "Possibly Damaging"; Align-GVGD: "Class C0"). This variant has not been reported in the literature in individuals with SLC2A1-related conditions. This variant is not present in population databases (ExAC no frequency). This sequence change replaces phenylalanine with cysteine at codon 206 of the SLC2A1 protein (p.Phe206Cys). The phenylalanine residue is moderately conserved and there is a large physicochemical difference between phenylalanine and cysteine.

NM_006516.4(SLC2A1):c.617T>G (p.Phe206Cys)

Gene: SLC2A1 (solute carrier family 2 member 1; minus strand). Cytogenetic location: 1p34.2.
Variant type: single nucleotide variant.
Coding change: c.617T>G on transcript NM_006516.4 (MANE Select); coding-DNA position 617, T replaced by G.
Protein change: p.Phe206Cys; replaces phenylalanine 206 with cysteine.
Molecular consequence: missense variant.
Genome position (GRCh38, 1-based): chr1:42,929,935, A>C on the plus strand (T>G on the coding strand, the complement: SLC2A1 is on the minus strand). VCF-style: chr1-42929935-A-C. GRCh37 (hg19) VCF-style: chr1-43395606-A-C.
Other names: short protein forms F206C.
Identifiers: ClinVar variation 1003049 (VCV001003049.9), dbSNP rs1643470058, ClinGen allele CA339958583.
Genomic context (GRCh38, chr1:42,929,935, plus strand): 5'-CTCTTGGCCCGGTTCTCCTCGTTGCGGTTGATGAGCAGGAAGCGGGGACTCTCGGGGCAG[A>C]AGGGCAGCACGATGCACTGCAGCAGGGCCGGGATGAAGATGATGCTCAGCAGCAGGGGCC-3'
Protein context (NP_006507.2, residues 196-216): PALLQCIVLP[Phe206Cys]CPESPRFLLI